The following is an entry in ClinVar:

ClinVar aggregate classification (germline): Uncertain significance (1 of 4 stars; one submission).

Conditions:
Ataxia-telangiectasia syndrome (AT). Also called: Ataxia-telangiectasia, complementation group D; AT, COMPLEMENTATION GROUP C; Ataxia-telangiectasia; Ataxia telangiectasia (A-T); LOUIS-BAR SYNDROME; Cerebello-oculocutaneous telangiectasia. Identifiers: Orphanet 100, MedGen C0004135, MONDO:0008840, OMIM 208900.

Submission:

Labcorp Genetics (formerly Invitae), Labcorp
Classification: Uncertain significance for Ataxia-telangiectasia syndrome. Last evaluated: 2025-02-07. Review status: criteria provided, single submitter. Criteria: Invitae Variant Classification Sherloc (09022015). Collection method: clinical testing. Allele origin: germline.
Comment: This sequence change replaces glutamine, which is neutral and polar, with arginine, which is basic and polar, at codon 654 of the ATM protein (p.Gln654Arg). This variant is not present in population databases (gnomAD no frequency). This variant has not been reported in the literature in individuals affected with ATM-related conditions. Invitae Evidence Modeling of protein sequence and biophysical properties (such as structural, functional, and spatial information, amino acid conservation, physicochemical variation, residue mobility, and thermodynamic stability) indicates that this missense variant is not expected to disrupt ATM protein function with a negative predictive value of 95%. In summary, the available evidence is currently insufficient to determine the role of this variant in disease. Therefore, it has been classified as a Variant of Uncertain Significance.

NM_000051.4(ATM):c.1961A>G (p.Gln654Arg)

Gene: ATM (ATM serine/threonine kinase; plus strand). Cytogenetic location: 11q22.3.
Variant type: single nucleotide variant.
Coding change: c.1961A>G on transcript NM_000051.4 (MANE Select); coding-DNA position 1961, A replaced by G.
Protein change: p.Gln654Arg; replaces glutamine 654 with arginine.
Molecular consequence: missense variant.
Genome position (GRCh38, 1-based): chr11:108,253,876, A>G. VCF-style: chr11-108253876-A-G. GRCh37 (hg19) VCF-style: chr11-108124603-A-G.
Other names: c.1961A>G, p.Gln654Arg (NM_001351834.2); short protein forms Q654R.
Identifiers: ClinVar variation 4747180 (VCV004747180.1).